The following is an entry in ClinVar:

ClinVar aggregate classification (germline): Uncertain significance. Review status: criteria provided, multiple submitters, no conflicts (2 of 4 stars). 3 submissions from 3 submitters: Uncertain significance (2). 1 of the submissions does not count toward it. Last evaluated 2022-09-07.

Conditions:
Cohen syndrome (COH1). Also called: Cutis verticis gyrata, retinitis pigmentosa, and sensorineural deafness; PEPPER SYNDROME. Identifiers: Orphanet 193, MedGen C0265223, MONDO:0008999, OMIM 216550.

Allele frequency attached by ClinVar (database versions not stated): ExAC 0.00001; gnomAD 0.00001; TOPMed 0.00001; gnomAD exomes 0.00002.
gnomAD v4.1: 26 of 1,613,880 alleles (0.0016%); highest among the groups gnomAD compares: Middle Eastern, 0.049%; no homozygotes.

Submissions (3):

Labcorp Genetics (formerly Invitae), Labcorp
Classification: Uncertain significance for Cohen syndrome. Last evaluated: 2022-09-07. Review status: criteria provided, single submitter. Criteria: Invitae Variant Classification Sherloc (09022015). Collection method: clinical testing. Allele origin: germline.
Comment: This sequence change replaces valine, which is neutral and non-polar, with isoleucine, which is neutral and non-polar, at codon 2715 of the VPS13B protein (p.Val2715Ile). This variant is present in population databases (rs751700874, gnomAD 0.0009%). This variant has not been reported in the literature in individuals affected with VPS13B-related conditions. ClinVar contains an entry for this variant (Variation ID: 1053528). Algorithms developed to predict the effect of missense changes on protein structure and function are either unavailable or do not agree on the potential impact of this missense change (SIFT: "Not Available"; PolyPhen-2: "Benign"; Align-GVGD: "Not Available"). In summary, the available evidence is currently insufficient to determine the role of this variant in disease. Therefore, it has been classified as a Variant of Uncertain Significance.

Blueprint Genetics
Classification: Uncertain significance. Last evaluated: 2020-05-07. Review status: criteria provided, single submitter. Criteria: ACMG Guidelines, 2015. Collection method: clinical testing. Allele origin: germline.

Natera, Inc.
Classification: Uncertain significance for Cohen syndrome. Last evaluated: 2020-01-24. Review status: no assertion criteria provided. Collection method: clinical testing. Allele origin: germline. Not counted in ClinVar's aggregate classification.

NM_152564.5(VPS13B):c.8068G>A (p.Val2690Ile)

Gene: VPS13B (vacuolar protein sorting 13 homolog B; plus strand). Cytogenetic location: 8q22.2.
Variant type: single nucleotide variant.
Coding change: c.8068G>A on transcript NM_152564.5 (MANE Select); coding-DNA position 8068, G replaced by A.
Protein change: p.Val2690Ile; replaces valine 2690 with isoleucine.
Molecular consequence: missense variant.
Genome position (GRCh38, 1-based): chr8:99,809,501, G>A. VCF-style: chr8-99809501-G-A. GRCh37 (hg19) VCF-style: chr8-100821729-G-A.
Other names: c.8143G>A, p.Val2715Ile (NM_017890.5); short protein forms V2690I, V2715I.
Identifiers: ClinVar variation 1053528 (VCV001053528.6), dbSNP rs751700874, ClinGen allele CA4824374.